The following is an entry in ClinVar:

ClinVar aggregate classification (germline): Uncertain significance. Review status: criteria provided, multiple submitters, no conflicts (2 of 4 stars). 3 submissions from 3 submitters: Uncertain significance (3). Last evaluated 2025-11-03.

Conditions:
Hereditary cancer-predisposing syndrome. Also called: Hereditary Cancer Syndrome; Tumor predisposition; Hereditary neoplastic syndrome; Neoplastic Syndromes, Hereditary. Identifiers: Orphanet 140162, MedGen C0027672, MeSH D009386, MONDO:0015356.
Endometrial carcinoma. Also called: Endometrial carcinoma, somatic. Identifiers: MedGen C0476089, MONDO:0002447, OMIM 608089, HP:0012114.

Submissions (3):

Labcorp Genetics (formerly Invitae), Labcorp
Classification: Uncertain significance. Last evaluated: 2025-11-03. Review status: criteria provided, single submitter. Criteria: Invitae Variant Classification Sherloc (09022015). Collection method: clinical testing. Allele origin: germline.
Comment: This variant, c.2886_2888del, results in the deletion of 1 amino acid(s) of the MSH3 protein (p.Ile963del), but otherwise preserves the integrity of the reading frame. This variant is present in population databases (rs752236141, gnomAD 0.003%). This variant has not been reported in the literature in individuals affected with MSH3-related conditions. ClinVar contains an entry for this variant (Variation ID: 647190). Experimental studies and prediction algorithms are not available or were not evaluated, and the functional significance of this variant is currently unknown. In summary, the available evidence is currently insufficient to determine the role of this variant in disease. Therefore, it has been classified as a Variant of Uncertain Significance.

Baylor Genetics
Classification: Uncertain significance for Endometrial carcinoma. Last evaluated: 2024-01-04. Review status: criteria provided, single submitter. Criteria: ACMG Guidelines, 2015. Collection method: clinical testing. Allele origin: unknown.

Ambry Genetics
Classification: Uncertain significance for Hereditary cancer-predisposing syndrome. Last evaluated: 2023-11-08. Review status: criteria provided, single submitter. Criteria: Ambry Variant Classification Scheme 2023. Collection method: clinical testing. Allele origin: germline.
Comment: The c.2886_2888delAAT variant (also known as p.I963del) is located in coding exon 21 of the MSH3 gene. This variant results from an in-frame AAT deletion at nucleotide positions 2886 to 2888. This results in the in-frame deletion of an isoleucine at codon 963. This amino acid position is well conserved in available vertebrate species. In addition, this alteration is predicted to be deleterious by in silico analysis (Choi Y et al. PLoS ONE. 2012; 7(10):e46688). Since supporting evidence is limited at this time, the clinical significance of this alteration remains unclear.

NM_002439.5(MSH3):c.2883AAT[1] (p.Ile963del)

Gene: MSH3 (mutS homolog 3; plus strand). Cytogenetic location: 5q14.1.
Variant type: Microsatellite.
Coding change: c.2883AAT[1] on transcript NM_002439.5 (MANE Select); one copy of the 3-base unit AAT starting at c.2883; the reference has two copies in a row; one copy, 3 bases deleted; also written c.2886_2888del.
Protein change: p.Ile963del; deletes isoleucine 963.
Molecular consequence: inframe deletion.
Genome position (GRCh38, 1-based): chr5:80,854,202-80,854,204, AAT deleted; deleting any 3 consecutive bases within chr5:80,854,199-80,854,204 gives the same sequence; the position shown is the placement nearest the transcript's 3' end. VCF-style (leftmost placement, unchanged base first): chr5-80854198-AAAT-A. GRCh37 (hg19) VCF-style: chr5-80150017-AAAT-A.
Other names: c.2886_2888del (NM_002439.4, NM_002439.5); short protein forms I963del.
Identifiers: ClinVar variation 647190 (VCV000647190.12), dbSNP rs752236141, ClinGen allele CA3328391.